The following is an entry in ClinVar:

NM_000748.3(CHRNB2):c.1372A>G (p.Ile458Val)

Gene: CHRNB2 (cholinergic receptor nicotinic beta 2 subunit; plus strand). Cytogenetic location: 1q21.3.
Variant type: single nucleotide variant.
Coding change: c.1372A>G on transcript NM_000748.3 (MANE Select); coding-DNA position 1372, A replaced by G.
Protein change: p.Ile458Val; replaces isoleucine 458 with valine.
Molecular consequence: missense variant.
Genome position (GRCh38, 1-based): chr1:154,575,795, A>G. VCF-style: chr1-154575795-A-G. GRCh37 (hg19) VCF-style: chr1-154548271-A-G.
Other names: short protein forms I458V.
Identifiers: ClinVar variation 581468 (VCV000581468.12), dbSNP rs751272610, ClinGen allele CA1130867.

ClinVar aggregate classification (germline): Conflicting classifications of pathogenicity. Review status: criteria provided, conflicting classifications (1 of 4 stars). 3 submissions from 3 submitters: Uncertain significance (2); Likely benign (1). Last evaluated 2025-11-03.

Conditions:
Inborn genetic diseases. Identifiers: MedGen C0950123, MeSH D030342.
Familial sleep-related hypermotor epilepsy. Also called: Autosomal Dominant Sleep-Related Hypermotor (Hyperkinetic) Epilepsy. Identifiers: Orphanet 98784, MedGen C3696898, MONDO:0000030.

Allele frequency attached by ClinVar (database versions not stated): gnomAD exomes below 0.00001; TOPMed 0.00001; ExAC 0.00001.
gnomAD v4.1: 2 of 1,614,080 alleles (0.00012%); highest among the groups gnomAD compares: Admixed American, 0.0033%; no homozygotes.

Submissions (3):

Labcorp Genetics (formerly Invitae), Labcorp
Classification: Likely benign. Last evaluated: 2025-11-03. Review status: criteria provided, single submitter. Criteria: Invitae Variant Classification Sherloc (09022015). Collection method: clinical testing. Allele origin: germline.

Ambry Genetics
Classification: Uncertain significance for Inborn genetic diseases. Last evaluated: 2025-04-28. Review status: criteria provided, single submitter. Criteria: Ambry Variant Classification Scheme 2023. Collection method: clinical testing. Allele origin: germline.

GeneDx
Classification: Uncertain significance. Last evaluated: 2023-08-07. Review status: criteria provided, single submitter. Criteria: GeneDx Variant Classification Process June 2021. Collection method: clinical testing. Allele origin: germline. Affected: yes.
Comment: Not observed at significant frequency in large population cohorts (gnomAD); In silico analysis supports that this missense variant does not alter protein structure/function; Has not been previously published as pathogenic or benign to our knowledge